The following is an entry in ClinVar:

NM_001378454.1(ALMS1):c.8928A>G (p.Val2976=)

Gene: ALMS1 (ALMS1 centrosome and basal body associated protein; plus strand). Cytogenetic location: 2p13.1.
Variant type: single nucleotide variant.
Coding change: c.8928A>G on transcript NM_001378454.1 (MANE Select); coding-DNA position 8928, A replaced by G.
Protein change: p.Val2976=; no amino-acid change (valine 2976 retained).
Molecular consequence: synonymous variant.
Genome position (GRCh38, 1-based): chr2:73,490,887, A>G. VCF-style: chr2-73490887-A-G. GRCh37 (hg19) VCF-style: chr2-73718014-A-G.
Other names: c.8931A>G, p.Val2977= (NM_015120.4).
Identifiers: ClinVar variation 552791 (VCV000552791.31), dbSNP rs373374154, ClinGen allele CA1714572.
Genomic context (GRCh38, chr2:73,490,887, plus strand): 5'-AGCTTCAGACCTTCCGTCTCCCATTTCTCTTGAACAATGCCAAAGCAAAGCGCCAGGTGT[A>G]GATGACCAAATGAATAAACACCATTTTCCCCTTCCTCAAGGTCAGGATTGTGTAGTGGAA-3'
Protein context (NP_001365383.1, residues 2966-2986): LEQCQSKAPG[Val2976=]DDQMNKHHFP

ClinVar aggregate classification (germline): Likely benign. Review status: criteria provided, multiple submitters, no conflicts (2 of 4 stars). 4 submissions from 4 submitters: Likely benign (3). 1 of the submissions does not count toward it. Last evaluated 2026-01-20.

Conditions:
Cardiovascular phenotype. Identifiers: MedGen CN230736.
Alstrom syndrome (ALMS). Identifiers: Orphanet 64, MedGen C0268425, MONDO:0008763, OMIM 203800.

Allele frequency attached by ClinVar (database versions not stated): ESP Exome Variant Server 0.00008; gnomAD exomes below 0.00001 and 0.00004; ExAC 0.00001; gnomAD 0.00002; TOPMed 0.00002.
gnomAD v4.1: 57 of 1,614,074 alleles (0.0035%); highest among the groups gnomAD compares: Non-Finnish European, 0.0046%; no homozygotes.

Submissions (4):

Labcorp Genetics (formerly Invitae), Labcorp
Classification: Likely benign for Alstrom syndrome. Last evaluated: 2026-01-20. Review status: criteria provided, single submitter. Criteria: Invitae Variant Classification Sherloc (09022015). Collection method: clinical testing. Allele origin: germline.

Ambry Genetics
Classification: Likely benign for Cardiovascular phenotype. Last evaluated: 2023-11-13. Review status: criteria provided, single submitter. Criteria: Ambry Variant Classification Scheme 2023. Collection method: clinical testing. Allele origin: germline.

CeGaT Center for Human Genetics Tuebingen
Classification: Likely benign. Last evaluated: 2022-05-01. Review status: criteria provided, single submitter. Criteria: CeGaT Center For Human Genetics Tuebingen Variant Classification Criteria Version 2. Collection method: clinical testing. Allele origin: germline. Affected: yes. Observed: 1 variant allele.
Comment: ALMS1: BP4, BP7

Counsyl
Classification: Likely benign for Alstrom syndrome. Last evaluated: 2017-07-07. Review status: no assertion criteria provided. Collection method: clinical testing. Allele origin: unknown. Not counted in ClinVar's aggregate classification.